The following is an entry in ClinVar:

ClinVar aggregate classification (germline): Uncertain significance (1 of 4 stars; one submission).

Submission:

Labcorp Genetics (formerly Invitae), Labcorp
Classification: Uncertain significance. Last evaluated: 2022-02-19. Review status: criteria provided, single submitter. Criteria: Invitae Variant Classification Sherloc (09022015). Collection method: clinical testing. Allele origin: germline.
Comment: In summary, the available evidence is currently insufficient to determine the role of this variant in disease. Therefore, it has been classified as a Variant of Uncertain Significance. Algorithms developed to predict the effect of missense changes on protein structure and function (SIFT, PolyPhen-2, Align-GVGD) all suggest that this variant is likely to be tolerated. This sequence change replaces alanine, which is neutral and non-polar, with serine, which is neutral and polar, at codon 174 of the RAX2 protein (p.Ala174Ser). This variant is not present in population databases (gnomAD no frequency). This variant has not been reported in the literature in individuals affected with RAX2-related conditions.

NM_001319074.4(RAX2):c.520G>T (p.Ala174Ser)

Gene: RAX2 (retina and anterior neural fold homeobox 2; minus strand). Cytogenetic location: 19p13.3.
Variant type: single nucleotide variant.
Coding change: c.520G>T on transcript NM_001319074.4 (MANE Select); coding-DNA position 520, G replaced by T.
Protein change: p.Ala174Ser; replaces alanine 174 with serine.
Molecular consequence: missense variant.
Genome position (GRCh38, 1-based): chr19:3,770,656, C>A on the plus strand (G>T on the coding strand, the complement: RAX2 is on the minus strand). VCF-style: chr19-3770656-C-A. GRCh37 (hg19) VCF-style: chr19-3770654-C-A.
Other names: c.520G>T, p.Ala174Ser (NM_032753.4); short protein forms A174S.
Identifiers: ClinVar variation 2099642 (VCV002099642.4), dbSNP rs1239523974, ClinGen allele CA403374012.